The following is an entry in ClinVar:

NM_000535.7(PMS2):c.2275+10T>G

Gene: PMS2 (PMS1 homolog 2, mismatch repair system component; minus strand). Cytogenetic location: 7p22.1.
Variant type: single nucleotide variant.
Coding change: c.2275+10T>G on transcript NM_000535.7 (MANE Select); 10 bases into the intron after coding-DNA position 2275, T replaced by G.
Molecular consequence: intron variant.
Genome position (GRCh38, 1-based): chr7:5,978,586, A>C on the plus strand (T>G on the coding strand, the complement: PMS2 is on the minus strand). VCF-style: chr7-5978586-A-C. GRCh37 (hg19) VCF-style: chr7-6018217-A-C.
Other names: c.1957+10T>G (NM_001322008.2, NM_001322007.2); c.1714+10T>G (NM_001322010.2); c.1870+10T>G (NM_001322004.2, NM_001322003.2, NM_001322009.2 and 1 more transcripts); c.1702+10T>G (NM_001322013.2); c.1342+10T>G (NM_001322012.2, NM_001322011.2); c.1966+10T>G (NM_001322015.2); c.2119+10T>G (NM_001322006.2); c.2275+10T>G (NM_001322014.2).
Identifiers: ClinVar variation 793809 (VCV000793809.8), dbSNP rs1583285216, ClinGen allele CA915944852.

ClinVar aggregate classification (germline): Likely benign. Review status: criteria provided, multiple submitters, no conflicts (2 of 4 stars). 2 submissions from 2 submitters: Likely benign (2). Last evaluated 2025-02-03.

Conditions:
Lynch syndrome 4 (LYNCH4). Also called: Colorectal cancer, hereditary nonpolyposis, type 4; Hereditary non-polyposis colorectal cancer, type 4. Identifiers: Orphanet 144, MedGen C1838333, MONDO:0013699, OMIM 614337. Disease mechanism: loss of function.
Hereditary nonpolyposis colorectal neoplasms. Identifiers: MedGen C0009405, MeSH D003123.

Submissions (2):

Myriad Genetics, Inc.
Classification: Likely benign for Lynch syndrome 4. Last evaluated: 2025-02-03. Review status: criteria provided, single submitter. Criteria: Myriad Autosomal Dominant, Autosomal Recessive and X-Linked Classification Criteria (2023). Collection method: clinical testing. Allele origin: unknown.
Comment: This variant is considered likely benign. This variant is intronic and is not expected to impact mRNA splicing.

Labcorp Genetics (formerly Invitae), Labcorp
Classification: Likely benign for Hereditary nonpolyposis colorectal neoplasms. Last evaluated: 2024-02-07. Review status: criteria provided, single submitter. Criteria: Invitae Variant Classification Sherloc (09022015). Collection method: clinical testing. Allele origin: germline.